The following is an entry in ClinVar:

ClinVar aggregate classification (germline): Uncertain significance (1 of 4 stars; one submission).

Submission:

GeneDx
Classification: Uncertain significance. Last evaluated: 2022-10-18. Review status: criteria provided, single submitter. Criteria: GeneDx Variant Classification Process June 2021. Collection method: clinical testing. Allele origin: germline. Affected: yes.
Comment: Not observed at significant frequency in large population cohorts (gnomAD); In silico analysis supports that this missense variant has a deleterious effect on protein structure/function; Has not been previously published as pathogenic or benign to our knowledge

NM_005529.7(HSPG2):c.9047C>T (p.Ser3016Phe)

Gene: HSPG2 (heparan sulfate proteoglycan 2; minus strand). Cytogenetic location: 1p36.12.
Variant type: single nucleotide variant.
Coding change: c.9047C>T on transcript NM_005529.7 (MANE Select); coding-DNA position 9047, C replaced by T.
Protein change: p.Ser3016Phe; replaces serine 3016 with phenylalanine.
Molecular consequence: missense variant.
Genome position (GRCh38, 1-based): chr1:21,842,244, G>A on the plus strand (C>T on the coding strand, the complement: HSPG2 is on the minus strand). VCF-style: chr1-21842244-G-A. GRCh37 (hg19) VCF-style: chr1-22168737-G-A.
Other names: c.9050C>T, p.Ser3017Phe (NM_001291860.2); short protein forms S3016F, S3017F.
Identifiers: ClinVar variation 1306460 (VCV001306460.3), dbSNP rs2152706371, ClinGen allele CA338915566.
Genomic context (GRCh38, chr1:21,842,244, plus strand): 5'-GCTTAGCTTCAGGGCCCTCCCTTCCCCCCTTGCCCATGGCATCTGCCATACTCACGGTAG[G>A]AAGACCCCTCACTGGGCGGGACGGTGACTGTGAAGGAGGCTTCTTGCTCAGGGCCTGGGC-3'
Protein context (NP_005520.4, residues 3006-3026): TVTVPPSEGS[Ser3016Phe]YRLRSPVISI